The following is an entry in ClinVar:

ClinVar aggregate classification (germline): Benign. Review status: criteria provided, multiple submitters, no conflicts (2 of 4 stars). 2 submissions from 2 submitters: Benign (2). Last evaluated 2018-06-14.

Conditions:
Wolfram syndrome 1 (WFS1). Identifiers: Orphanet 3463, MedGen C4551693, MONDO:0009101, OMIM 222300.

Allele frequency attached by ClinVar (database versions not stated): gnomAD 0.40867 and 0.42439; TOPMed 0.41566; 1000 Genomes Project 30x 0.46096; 1000 Genomes Project 0.47204.

Submissions (2):

GeneDx
Classification: Benign. Last evaluated: 2018-06-14. Review status: criteria provided, single submitter. Criteria: GeneDx Variant Classification (06012015). Collection method: clinical testing. Allele origin: germline. Affected: yes.
Comment: This variant is considered likely benign or benign based on one or more of the following criteria: it is a conservative change, it occurs at a poorly conserved position in the protein, it is predicted to be benign by multiple in silico algorithms, and/or has population frequency not consistent with disease.

Clinical Genomics, Uppaluri K&H Personalized Medicine Clinic
Classification: Benign for Wolfram syndrome 1. Review status: criteria provided, single submitter. Criteria: K & H Uppaluri Personalized Medicine Clinic Variant Classification & Assertion Criteria_Updated V.1. Collection method: research. Allele origin: unknown. Inheritance: Autosomal recessive inheritance.
Comment: Potent mutations in WFS1 gene are associated with Wolfram's syndrome, an autosomal recessive condition, which cause diabetes mellitus, diabetes insipidus, deafness and optic atrophy.However no sufficient evidence is found to ascertain the role of this particular variant rs6820509 in Wolfram's syndrome yet.

Literature cited by the submitters: PubMed 20738327 (cited by Clinical Genomics, Uppaluri K&H Personalized Medicine Clinic); PubMed 33879153 (cited by Clinical Genomics, Uppaluri K&H Personalized Medicine Clinic); PubMed 12955714 (cited by Clinical Genomics, Uppaluri K&H Personalized Medicine Clinic); PubMed 18060660 (cited by Clinical Genomics, Uppaluri K&H Personalized Medicine Clinic); PubMed 20301750 (cited by Clinical Genomics, Uppaluri K&H Personalized Medicine Clinic); PubMed 17603484 (cited by Clinical Genomics, Uppaluri K&H Personalized Medicine Clinic).

NM_006005.3(WFS1):c.713-1018A>G

Gene: WFS1 (wolframin ER transmembrane glycoprotein; plus strand). Cytogenetic location: 4p16.1.
Variant type: single nucleotide variant.
Coding change: c.713-1018A>G on transcript NM_006005.3 (MANE Select); 1018 bases into the intron before coding-DNA position 713, A replaced by G.
Molecular consequence: intron variant.
Genome position (GRCh38, 1-based): chr4:6,294,023, A>G. VCF-style: chr4-6294023-A-G. GRCh37 (hg19) VCF-style: chr4-6295750-A-G.
Other names: c.713-1018A>G (NM_001145853.1).
Identifiers: ClinVar variation 669596 (VCV000669596.2), dbSNP rs6820509, ClinGen allele CA11677696.